The following is an entry in ClinVar:

ClinVar aggregate classification (germline): Uncertain significance (1 of 4 stars; one submission).

Conditions:
Charcot-Marie-Tooth disease type 4. Also called: Charcot-Marie-Tooth, Type 4; Charcot-Marie-Tooth disease, type IV. Identifiers: Orphanet 64749, MedGen C4082197, MONDO:0018995.

Allele frequency attached by ClinVar (database versions not stated): gnomAD exomes below 0.00001; TOPMed 0.00002.
gnomAD v4.1: 5 of 1,614,182 alleles (0.00031%); highest among the groups gnomAD compares: Non-Finnish European, 0.00042%; no homozygotes.

Submission:

Labcorp Genetics (formerly Invitae), Labcorp
Classification: Uncertain significance for Charcot-Marie-Tooth disease type 4. Last evaluated: 2021-09-01. Review status: criteria provided, single submitter. Criteria: Invitae Variant Classification Sherloc (09022015). Collection method: clinical testing. Allele origin: germline.
Comment: This sequence change replaces glycine with valine at codon 1204 of the SBF2 protein (p.Gly1204Val). The glycine residue is moderately conserved and there is a moderate physicochemical difference between glycine and valine. This variant is present in population databases (rs781282456, ExAC 0.003%). This variant has not been reported in the literature in individuals affected with SBF2-related conditions. Algorithms developed to predict the effect of missense changes on protein structure and function are either unavailable or do not agree on the potential impact of this missense change (SIFT: "Tolerated"; PolyPhen-2: "Probably Damaging"; Align-GVGD: "Class C0"). Algorithms developed to predict the effect of sequence changes on RNA splicing suggest that this variant may create or strengthen a splice site. In summary, the available evidence is currently insufficient to determine the role of this variant in disease. Therefore, it has been classified as a Variant of Uncertain Significance.

NM_030962.4(SBF2):c.3611G>T (p.Gly1204Val)

Gene: SBF2 (SET binding factor 2; minus strand). Cytogenetic location: 11p15.4.
Variant type: single nucleotide variant.
Coding change: c.3611G>T on transcript NM_030962.4 (MANE Select); coding-DNA position 3611, G replaced by T.
Protein change: p.Gly1204Val; replaces glycine 1204 with valine.
Molecular consequence: missense variant.
Genome position (GRCh38, 1-based): chr11:9,832,265, C>A on the plus strand (G>T on the coding strand, the complement: SBF2 is on the minus strand). VCF-style: chr11-9832265-C-A. GRCh37 (hg19) VCF-style: chr11-9853812-C-A.
Other names: c.3611G>T, p.Gly1204Val (NM_001386339.1); c.3482G>T, p.Gly1161Val (NM_001386342.1); short protein forms G1204V, G1161V.
Identifiers: ClinVar variation 1345734 (VCV001345734.5), dbSNP rs781282456, ClinGen allele CA5881222.